The following is an entry in ClinVar:

ClinVar aggregate classification (germline): Pathogenic (1 of 4 stars; one submission).

Submission:

Labcorp Genetics (formerly Invitae), Labcorp
Classification: Pathogenic. Last evaluated: 2023-03-31. Review status: criteria provided, single submitter. Criteria: Invitae Variant Classification Sherloc (09022015). Collection method: clinical testing. Allele origin: germline.
Comment: This sequence change creates a premature translational stop signal (p.Gln260Profs*9) in the MMP13 gene. It is expected to result in an absent or disrupted protein product. Loss-of-function variants in MMP13 are known to be pathogenic (PMID: 24781753, 31413057). This variant is not present in population databases (gnomAD no frequency). This variant has not been reported in the literature in individuals affected with MMP13-related conditions. For these reasons, this variant has been classified as Pathogenic.

Literature cited by the submitters: PubMed 24781753; PubMed 31413057.

NM_002427.4(MMP13):c.779_786del (p.Gln260fs)

Gene: MMP13 (matrix metallopeptidase 13; minus strand). Cytogenetic location: 11q22.2.
Variant type: Deletion.
Coding change: c.779_786del on transcript NM_002427.4 (MANE Select); coding-DNA positions 779 to 786, 8 bases deleted (AAGGGATC; older notation c.779_786delAAGGGATC).
Protein change: p.Gln260fs; shifts the reading frame from glutamine 260.
Molecular consequence: frameshift variant.
Genome position (GRCh38, 1-based): chr11:102,952,025-102,952,032, GATCCCTT deleted on the plus strand (AAGGGATC on the coding strand, the reverse complement: MMP13 is on the minus strand); deleting any 8 consecutive bases within chr11:102,952,025-102,952,033 gives the same sequence; the c. name uses the placement nearest the transcript's 3' end. VCF-style (leftmost placement, unchanged base first): chr11-102952024-GGATCCCTT-G. GRCh37 (hg19) VCF-style: chr11-102822753-GGATCCCTT-G.
Other names: short protein forms Q260fs.
Identifiers: ClinVar variation 2807360 (VCV002807360.3), dbSNP rs1476152257, ClinGen allele CA670899663.